The following is an entry in ClinVar:

NM_003049.4(SLC10A1):c.747-7G>A

Gene: SLC10A1 (solute carrier family 10 member 1; minus strand). Cytogenetic location: 14q24.1.
Variant type: single nucleotide variant.
Coding change: c.747-7G>A on transcript NM_003049.4 (MANE Select); 7 bases into the intron before coding-DNA position 747, G replaced by A.
Molecular consequence: intron variant.
Genome position (GRCh38, 1-based): chr14:69,778,536, C>T on the plus strand (G>A on the coding strand, the complement: SLC10A1 is on the minus strand). VCF-style: chr14-69778536-C-T. GRCh37 (hg19) VCF-style: chr14-70245253-C-T.
Other names: c.747-7G>A (NM_003049.3).
Identifiers: ClinVar variation 3780605 (VCV003780605.2).

ClinVar aggregate classification (germline): Uncertain significance. Review status: criteria provided, multiple submitters, no conflicts (2 of 4 stars). 2 submissions from 2 submitters: Uncertain significance (2). Last evaluated 2025-08-06.

Conditions:
Hypercholanemia, familial, 2. Also called: NTCP deficiency. Identifiers: MedGen C5543243, MONDO:0031003, OMIM 619256. Disease mechanism: loss of function.
SLC10A1-related disorder. Also called: SLC10A1-related condition.

gnomAD v4.1: 135 of 1,584,670 alleles (0.0085%); highest among the groups gnomAD compares: Non-Finnish European, 0.011%; no homozygotes.

Submissions (2):

PreventionGenetics, part of Exact Sciences
Classification: Uncertain significance for SLC10A1-related condition. Last evaluated: 2025-08-06. Review status: criteria provided, single submitter. Criteria: ACMG Guidelines, 2015. Collection method: clinical testing. Allele origin: germline.
Comment: The SLC10A1 c.747-7G>A variant is predicted to interfere with splicing. To our knowledge, this variant has not been reported in the literature. This variant is reported in 0.018% of alleles in individuals of European (Non-Finnish) descent in gnomAD. At this time, the clinical significance of this variant is uncertain due to the absence of conclusive functional and genetic evidence.

Department of Pathology and Laboratory Medicine, Sinai Health System
Classification: Uncertain significance for hypercholanemia, familial, 2. Last evaluated: 2021-08-10. Review status: criteria provided, single submitter. Criteria: ACMG Guidelines, 2015. Collection method: research. Allele origin: germline.